The following is an entry in ClinVar:

ClinVar aggregate classification (germline): Likely benign (0 of 4 stars; one submission).

Conditions:
KIDINS220-related disorder. Also called: KIDINS220-related condition.

gnomAD v4.1: 2 of 1,568,506 alleles (0.00013%); highest among the groups gnomAD compares: South Asian, 0.0012%; no homozygotes.

Submission:

PreventionGenetics, part of Exact Sciences
Classification: Likely benign for KIDINS220-related condition. Last evaluated: 2022-02-14. Review status: no assertion criteria provided. Collection method: clinical testing. Allele origin: germline.
Comment: This variant is classified as likely benign based on ACMG/AMP sequence variant interpretation guidelines (Richards et al. 2015 PMID: 25741868, with internal and published modifications).

NM_020738.4(KIDINS220):c.603+7A>G

Gene: KIDINS220 (kinase D interacting substrate 220; minus strand). Cytogenetic location: 2p25.1.
Variant type: single nucleotide variant.
Coding change: c.603+7A>G on transcript NM_020738.4 (MANE Select); 7 bases into the intron after coding-DNA position 603, A replaced by G.
Molecular consequence: intron variant.
Genome position (GRCh38, 1-based): chr2:8,806,264, T>C on the plus strand (A>G on the coding strand, the complement: KIDINS220 is on the minus strand). VCF-style: chr2-8806264-T-C. GRCh37 (hg19) VCF-style: chr2-8946394-T-C.
Other names: c.603+7A>G (NM_001348741.2, NM_001348738.2, NM_001348742.2 and 3 more transcripts); c.606+7A>G (NM_001348739.2, NM_001348740.2, NM_001348734.2 and 3 more transcripts); c.477+7A>G (NM_001348736.2).
Identifiers: ClinVar variation 3352487 (VCV003352487.1).